The following is an entry in ClinVar:

NM_002439.5(MSH3):c.529G>A (p.Ala177Thr)

Gene: MSH3 (mutS homolog 3; plus strand). Cytogenetic location: 5q14.1.
Variant type: single nucleotide variant.
Coding change: c.529G>A on transcript NM_002439.5 (MANE Select); coding-DNA position 529, G replaced by A.
Protein change: p.Ala177Thr; replaces alanine 177 with threonine.
Molecular consequence: missense variant.
Genome position (GRCh38, 1-based): chr5:80,665,313, G>A. VCF-style: chr5-80665313-G-A. GRCh37 (hg19) VCF-style: chr5-79961132-G-A.
Other names: short protein forms A177T.
Identifiers: ClinVar variation 654502 (VCV000654502.15), dbSNP rs372073889, ClinGen allele CA3327622.

ClinVar aggregate classification (germline): Uncertain significance. Review status: criteria provided, multiple submitters, no conflicts (2 of 4 stars). 4 submissions from 4 submitters: Uncertain significance (4). Last evaluated 2026-01-26.

Conditions:
Endometrial carcinoma. Also called: Endometrial carcinoma, somatic. Identifiers: MedGen C0476089, MONDO:0002447, OMIM 608089, HP:0012114.
Hereditary cancer-predisposing syndrome. Also called: Hereditary neoplastic syndrome; Tumor predisposition; Neoplastic Syndromes, Hereditary; Hereditary Cancer Syndrome. Identifiers: Orphanet 140162, MedGen C0027672, MeSH D009386, MONDO:0015356.

Allele frequency attached by ClinVar (database versions not stated): gnomAD exomes 0.00001 and 0.00002; gnomAD 0.00002 and 0.00001; TOPMed 0.00001; ESP Exome Variant Server 0.00008; ExAC 0.00001.

Submissions (4):

Labcorp Genetics (formerly Invitae), Labcorp
Classification: Uncertain significance. Last evaluated: 2026-01-26. Review status: criteria provided, single submitter. Criteria: Invitae Variant Classification Sherloc (09022015). Collection method: clinical testing. Allele origin: germline.
Comment: This sequence change replaces alanine, which is neutral and non-polar, with threonine, which is neutral and polar, at codon 177 of the MSH3 protein (p.Ala177Thr). This variant is present in population databases (rs372073889, gnomAD 0.01%). This variant has not been reported in the literature in individuals affected with MSH3-related conditions. ClinVar contains an entry for this variant (Variation ID: 654502). An algorithm developed to predict the effect of missense changes on protein structure and function (PolyPhen-2) suggests that this variant is likely to be tolerated. In summary, the available evidence is currently insufficient to determine the role of this variant in disease. Therefore, it has been classified as a Variant of Uncertain Significance.

GeneDx
Classification: Uncertain significance. Last evaluated: 2024-07-23. Review status: criteria provided, single submitter. Criteria: GeneDx Variant Classification Process June 2021. Collection method: clinical testing. Allele origin: germline. Affected: yes.
Comment: Not observed at significant frequency in large population cohorts (gnomAD); In silico analysis indicates that this missense variant does not alter protein structure/function; Has not been previously published as pathogenic or benign to our knowledge

Ambry Genetics
Classification: Uncertain significance for Hereditary cancer-predisposing syndrome. Last evaluated: 2023-12-29. Review status: criteria provided, single submitter. Criteria: Ambry Variant Classification Scheme 2023. Collection method: clinical testing. Allele origin: germline.
Comment: The p.A177T variant (also known as c.529G>A), located in coding exon 3 of the MSH3 gene, results from a G to A substitution at nucleotide position 529. The alanine at codon 177 is replaced by threonine, an amino acid with similar properties. This amino acid position is well conserved in available vertebrate species. In addition, this alteration is predicted to be tolerated by in silico analysis. Since supporting evidence is limited at this time, the clinical significance of this alteration remains unclear.

Baylor Genetics
Classification: Uncertain significance for Endometrial carcinoma. Last evaluated: 2023-12-13. Review status: criteria provided, single submitter. Criteria: ACMG Guidelines, 2015. Collection method: clinical testing. Allele origin: unknown.